The following is an entry in ClinVar:

ClinVar aggregate classification (germline): Likely benign (1 of 4 stars; one submission).

Submission:

CeGaT Center for Human Genetics Tuebingen
Classification: Likely benign. Last evaluated: 2022-12-01. Review status: criteria provided, single submitter. Criteria: CeGaT Center For Human Genetics Tuebingen Variant Classification Criteria Version 2. Collection method: clinical testing. Allele origin: germline. Affected: yes. Observed: 2 variant alleles.
Comment: TFAP2A: PM2:Supporting, BP4, BP7

NM_001372066.1(TFAP2A):c.432A>C (p.Ser144=)

Gene: TFAP2A (transcription factor AP-2 alpha; minus strand). Cytogenetic location: 6p24.3.
Variant type: single nucleotide variant.
Coding change: c.432A>C on transcript NM_001372066.1 (MANE Select); coding-DNA position 432, A replaced by C.
Protein change: p.Ser144=; no amino-acid change (serine 144 retained).
Molecular consequence: synonymous variant.
Genome position (GRCh38, 1-based): chr6:10,409,955, T>G on the plus strand (A>C on the coding strand, the complement: TFAP2A is on the minus strand). VCF-style: chr6-10409955-T-G. GRCh37 (hg19) VCF-style: chr6-10410188-T-G.
Other names: c.408A>C, p.Ser136= (NM_001032280.3); c.414A>C, p.Ser138= (NM_001042425.3).
Identifiers: ClinVar variation 2656219 (VCV002656219.24), dbSNP rs1581269159, ClinGen allele CA448717678.
Genomic context (GRCh38, chr6:10,409,955, plus strand): 5'-TCTTACCGGGACCTCCTCGATGGCGTGAGGTAAGGAGTGGATCGAGAGGTCTCCGAGTCC[T>G]GAGCTGAGCGCGTGTGGGCCGTGCAGGAGGTCCTCGTGCCGCCTGTAGTCCCTGCGAGGA-3'
Protein context (NP_001358995.1, residues 134-154): DLLHGPHALS[Ser144=]GLGDLSIHSL